The following is an entry in ClinVar:

NM_001430.5(EPAS1):c.1348G>A (p.Glu450Lys)

Gene: EPAS1 (endothelial PAS domain protein 1; plus strand). Cytogenetic location: 2p21.
Variant type: single nucleotide variant.
Coding change: c.1348G>A on transcript NM_001430.5 (MANE Select); coding-DNA position 1348, G replaced by A.
Protein change: p.Glu450Lys; replaces glutamic acid 450 with lysine.
Molecular consequence: missense variant.
Genome position (GRCh38, 1-based): chr2:46,377,992, G>A. VCF-style: chr2-46377992-G-A. GRCh37 (hg19) VCF-style: chr2-46605131-G-A.
Other names: short protein forms E450K.
Identifiers: ClinVar variation 1770525 (VCV001770525.2), dbSNP rs762678739, ClinGen allele CA46563892.

ClinVar aggregate classification (germline): Uncertain significance (1 of 4 stars; one submission).

Conditions:
Inborn genetic diseases. Identifiers: MedGen C0950123, MeSH D030342.

Allele frequency attached by ClinVar (database versions not stated): gnomAD exomes below 0.00001; TOPMed below 0.00001.
gnomAD v4.1: 4 of 1,584,444 alleles (0.00025%); highest among the groups gnomAD compares: Non-Finnish European, 0.00026%; no homozygotes.

Submission:

Ambry Genetics
Classification: Uncertain significance for Inborn genetic diseases. Last evaluated: 2022-10-22. Review status: criteria provided, single submitter. Criteria: Ambry Variant Classification Scheme 2023. Collection method: clinical testing. Allele origin: germline.
Comment: The p.E450K variant (also known as c.1348G>A), located in coding exon 10 of the EPAS1 gene, results from a G to A substitution at nucleotide position 1348. The glutamic acid at codon 450 is replaced by lysine, an amino acid with similar properties. This amino acid position is conserved. In addition, this alteration is predicted to be tolerated by in silico analysis. Since supporting evidence is limited at this time, the clinical significance of this alteration remains unclear.